The following is an entry in ClinVar:

NM_017617.5(NOTCH1):c.1555+7G>A

Gene: NOTCH1 (notch receptor 1; minus strand). Cytogenetic location: 9q34.3.
Variant type: single nucleotide variant.
Coding change: c.1555+7G>A on transcript NM_017617.5 (MANE Select); 7 bases into the intron after coding-DNA position 1555, G replaced by A.
Molecular consequence: intron variant.
Genome position (GRCh38, 1-based): chr9:136,517,265, C>T on the plus strand (G>A on the coding strand, the complement: NOTCH1 is on the minus strand). VCF-style: chr9-136517265-C-T. GRCh37 (hg19) VCF-style: chr9-139411717-C-T.
Identifiers: ClinVar variation 4885096 (VCV004885096.2).
Genomic context (GRCh38, chr9:136,517,265, plus strand): 5'-GCCCAGGCACCCCTCAGGAGGCCAGGGTGCAGACGACCCGGGGGCAGGGGGCGGGGGTGG[C>T]CCTCACCCGTGGGGCACTCGCACTGGAACTCATTGATCTTGTCCAGGCAGCGGCCATTGT-3'

ClinVar aggregate classification (germline): Uncertain significance (1 of 4 stars; one submission).

Submission:

Dasa
Classification: Uncertain significance. Last evaluated: 2025-01-27. Review status: criteria provided, single submitter. Criteria: DASA Assertion Criteria. Collection method: clinical testing. Allele origin: germline.
Comment: NM_017617.5(NOTCH1):c.1555+7G>A is a splice-region variant. This variant is rare in population databases. Computational prediction algorithms are consistent with a benign effect. The currently available literature and clinical evidence are not sufficient to establish a definitive association between this variant and the reported condition. Therefore, this variant is classified as a variant of uncertain significance.